The following is an entry in ClinVar:

NM_000540.3(RYR1):c.2092G>A (p.Gly698Ser)

Gene: RYR1 (ryanodine receptor 1; plus strand). Cytogenetic location: 19q13.2.
Variant type: single nucleotide variant.
Coding change: c.2092G>A on transcript NM_000540.3 (MANE Select); coding-DNA position 2092, G replaced by A.
Protein change: p.Gly698Ser; replaces glycine 698 with serine.
Molecular consequence: missense variant.
Genome position (GRCh38, 1-based): chr19:38,458,217, G>A. VCF-style: chr19-38458217-G-A. GRCh37 (hg19) VCF-style: chr19-38948857-G-A.
Other names: c.2092G>A, p.Gly698Ser (NM_001042723.2); short protein forms G698S.
Identifiers: ClinVar variation 544407 (VCV000544407.13), dbSNP rs866990461, ClinGen allele CA308125859.

ClinVar aggregate classification (germline): Uncertain significance. Review status: criteria provided, multiple submitters, no conflicts (2 of 4 stars). 5 submissions from 5 submitters: Uncertain significance (5). Last evaluated 2025-07-18.

Conditions:
RYR1-related disorder. Also called: RYR1-related condition; RYR1-related disorders. Identifiers: MedGen CN239331.
Central core myopathy (CMYO1A). Also called: Central core disease; Myopathy, central fibrillar; CONGENITAL MYOPATHY 1A, AUTOSOMAL DOMINANT, WITH SUSCEPTIBILITY TO MALIGNANT HYPERTHERMIA. Identifiers: Orphanet 597, MedGen C5830701, MONDO:0007294, OMIM 117000.
Malignant hyperthermia, susceptibility to, 1 (MHS1). Also called: RYR1-Related Malignant Hyperthermia Susceptibility; Anesthesia related hyperthermia; Malignant hyperpyrexia; Fulminating hyperpyrexia; Pharmacogenic myopathy; Malignant hyperthermia suceptibility 1. Identifiers: Orphanet 423, MedGen C2930980, MONDO:0007783, OMIM 145600.
Congenital myopathy with fiber type disproportion. Also called: Congenital fiber-type disproportion; Congenital fiber-type disproportion myopathy. Identifiers: Orphanet 2020, MedGen C0546264, MONDO:0009711. Inheritance: all.
King Denborough syndrome (KDS). Identifiers: MedGen C1840365, MONDO:0020485, OMIM 619542.
Congenital multicore myopathy with external ophthalmoplegia (CMYO1B). Also called: MULTICORE MYOPATHY; Congenital myopathy 1B, autosomal recessive; Minicore myopathy; MULTIMINICORE DISEASE WITH EXTERNAL OPHTHALMOPLEGIA; Minicore myopathy with external ophthalmoplegia. Identifiers: Orphanet 598, Orphanet 98905, MedGen C1850674, MONDO:0009712, OMIM 255320, HP:0003789.

Allele frequency attached by ClinVar (database versions not stated): gnomAD 0.00001; gnomAD exomes 0.00001; TOPMed 0.00002.
gnomAD v4.1: 9 of 1,613,882 alleles (0.00056%); highest among the groups gnomAD compares: South Asian, 0.0033%; no homozygotes.

Submissions (5):

Color Diagnostics, LLC DBA Color Health
Classification: Uncertain significance for Malignant hyperthermia, susceptibility to, 1. Last evaluated: 2025-07-18. Review status: criteria provided, single submitter. Criteria: ACMG Guidelines, 2015. Collection method: clinical testing. Allele origin: germline.
Comment: This missense variant replaces glycine with serine at codon 698 of the RYR1 protein. Computational prediction suggests that this variant may have deleterious impact on protein structure and function. To our knowledge, functional studies have not been reported for this variant. This variant has not been reported in individuals affected with RYR1-related disorders in the literature. This variant has been identified in 2/249598 chromosomes in the general population by the Genome Aggregation Database (gnomAD). The available evidence is insufficient to determine the role of this variant in disease conclusively. Therefore, this variant is classified as a Variant of Uncertain Significance.

GeneDx
Classification: Uncertain significance. Last evaluated: 2024-03-14. Review status: criteria provided, single submitter. Criteria: GeneDx Variant Classification Process June 2021. Collection method: clinical testing. Allele origin: germline. Affected: yes.
Comment: Not observed at significant frequency in large population cohorts (gnomAD); In silico analysis supports that this missense variant has a deleterious effect on protein structure/function; Has not been previously published as pathogenic or benign to our knowledge

Fulgent Genetics
Classification: Uncertain significance for Central core myopathy; Malignant hyperthermia, susceptibility to, 1; Congenital myopathy 4A, autosomal dominant; Congenital multicore myopathy with external ophthalmoplegia; King Denborough syndrome. Last evaluated: 2021-10-11. Review status: criteria provided, single submitter. Criteria: ACMG Guidelines, 2015. Collection method: clinical testing. Allele origin: unknown.

Labcorp Genetics (formerly Invitae), Labcorp
Classification: Uncertain significance for RYR1-related disorder. Last evaluated: 2021-09-02. Review status: criteria provided, single submitter. Criteria: Invitae Variant Classification Sherloc (09022015). Collection method: clinical testing. Allele origin: germline.
Comment: This sequence change replaces glycine with serine at codon 698 of the RYR1 protein (p.Gly698Ser). The glycine residue is highly conserved and there is a small physicochemical difference between glycine and serine. This variant is not present in population databases (ExAC no frequency). This variant has not been reported in the literature in individuals affected with RYR1-related conditions. Algorithms developed to predict the effect of missense changes on protein structure and function are either unavailable or do not agree on the potential impact of this missense change (SIFT: "Deleterious"; PolyPhen-2: "Probably Damaging"; Align-GVGD: "Class C0"). Algorithms developed to predict the effect of sequence changes on RNA splicing suggest that this variant may create or strengthen a splice site. In summary, the available evidence is currently insufficient to determine the role of this variant in disease. Therefore, it has been classified as a Variant of Uncertain Significance.

Revvity Omics, Revvity
Classification: Uncertain significance. Last evaluated: 2019-06-13. Review status: criteria provided, single submitter. Criteria: ACMG Guidelines, 2015. Collection method: clinical testing. Allele origin: germline.